The following is an entry in ClinVar:

ClinVar aggregate classification (germline): Uncertain significance (1 of 4 stars; one submission).

Conditions:
Axenfeld-Rieger syndrome type 3 (RIEG3). Also called: AXENFELD-RIEGER ANOMALY WITH CARDIAC DEFECTS AND/OR SENSORINEURAL HEARING LOSS. Identifiers: Orphanet 782, MedGen C2678503, MONDO:0011233, OMIM 602482.

Allele frequency attached by ClinVar (database versions not stated): ExAC 0.00007; TOPMed 0.00001; gnomAD 0.00003.
gnomAD v4.1: 38 of 1,613,888 alleles (0.0024%); highest among the groups gnomAD compares: Non-Finnish European, 0.00034%; 1 homozygote.

Submission:

Labcorp Genetics (formerly Invitae), Labcorp
Classification: Uncertain significance for Axenfeld-Rieger syndrome type 3. Last evaluated: 2024-12-09. Review status: criteria provided, single submitter. Criteria: Invitae Variant Classification Sherloc (09022015). Collection method: clinical testing. Allele origin: germline.
Comment: This sequence change replaces isoleucine, which is neutral and non-polar, with methionine, which is neutral and non-polar, at codon 99 of the FOXC1 protein (p.Ile99Met). This variant is present in population databases (rs757767235, gnomAD 0.02%). This variant has not been reported in the literature in individuals affected with FOXC1-related conditions. ClinVar contains an entry for this variant (Variation ID: 2145310). An algorithm developed to predict the effect of missense changes on protein structure and function (PolyPhen-2) suggests that this variant is likely to be disruptive. In summary, the available evidence is currently insufficient to determine the role of this variant in disease. Therefore, it has been classified as a Variant of Uncertain Significance.

NM_001453.3(FOXC1):c.297C>G (p.Ile99Met)

Genes: FOXC1 (forkhead box C1; plus strand), LOC129995601 (ATAC-STARR-seq lymphoblastoid active region 23864; plus strand). Cytogenetic location: 6p25.3.
Variant type: single nucleotide variant.
Coding change: c.297C>G on transcript NM_001453.3 (MANE Select); coding-DNA position 297, C replaced by G.
Protein change: p.Ile99Met; replaces isoleucine 99 with methionine.
Molecular consequence: missense variant.
Genome position (GRCh38, 1-based): chr6:1,610,742, C>G. VCF-style: chr6-1610742-C-G. GRCh37 (hg19) VCF-style: chr6-1610977-C-G.
Other names: short protein forms I99M.
Identifiers: ClinVar variation 2145310 (VCV002145310.4), dbSNP rs757767235, ClinGen allele CA3614730.